The following is an entry in ClinVar:

ClinVar aggregate classification (germline): Conflicting classifications of pathogenicity. Review status: criteria provided, conflicting classifications (1 of 4 stars). 2 submissions from 2 submitters: Likely pathogenic, low penetrance (1); Uncertain significance (1). Last evaluated 2025-09-26.

Conditions:
Atypical hemolytic-uremic syndrome with I factor anomaly. Also called: HEMOLYTIC UREMIC SYNDROME, ATYPICAL, SUSCEPTIBILITY TO, 3; AHUS, SUSCEPTIBILITY TO, 3. Identifiers: Orphanet 2134, MedGen C2752039, MONDO:0013041, OMIM 612923.
Factor I deficiency (CFID). Also called: Complement factor I deficiency. Identifiers: Orphanet 200418, MedGen C3463916, MONDO:0012594, OMIM 610984.
Age related macular degeneration 13. Identifiers: MedGen C3809523, MONDO:0014189, OMIM 615439.
CFI-related disorder. Also called: CFI-related condition; CFI-related disorders. Identifiers: MedGen CN239325.

Submissions (2):

Genomenon, Inc
Classification: Likely pathogenic, low penetrance for CFI-related disorder. Last evaluated: 2025-09-26. Review status: criteria provided, single submitter. Criteria: Genomenon Sequence Variant Interpretation Standards - Updated. Collection method: curation. Allele origin: germline. Affected: no.
Comment: CFI p.Gly487Cys (c.1459G>T) is a missense variant that changes the amino acid at residue 487 from Glycine to Cysteine. To our knowledge, this variant has not been reported in patients affected with CFI-related disorders in the published literature. At least one functional study has demonstrated a substantial alteration in protein function relative to the wild-type (PMID:35069568). It is absent or not present at a significant frequency in gnomAD. In silico models agree that this variant is possibly or probably damaging. In conclusion, we classify CFI p.Gly487Cys (c.1459G>T) as a likely pathogenic, low penetrance variant.

Fulgent Genetics
Classification: Uncertain significance for Factor I deficiency; Atypical hemolytic-uremic syndrome with I factor anomaly; Age related macular degeneration 13. Last evaluated: 2024-04-04. Review status: criteria provided, single submitter. Criteria: ACMG Guidelines, 2015. Collection method: clinical testing. Allele origin: germline.

Literature cited by the submitters: PubMed 35069568 (cited by Genomenon, Inc).

NM_000204.5(CFI):c.1459G>T (p.Gly487Cys)

Gene: CFI (complement factor I; minus strand). Cytogenetic location: 4q25.
Variant type: single nucleotide variant.
Coding change: c.1459G>T on transcript NM_000204.5 (MANE Select); coding-DNA position 1459, G replaced by T.
Protein change: p.Gly487Cys; replaces glycine 487 with cysteine.
Molecular consequence: missense variant. On other transcripts: non-coding transcript variant (3).
Genome position (GRCh38, 1-based): chr4:109,742,566, C>A on the plus strand (G>T on the coding strand, the complement: CFI is on the minus strand). VCF-style: chr4-109742566-C-A. GRCh37 (hg19) VCF-style: chr4-110663722-C-A.
Other names: c.1483G>T, p.Gly495Cys (NM_001318057.2, NM_001375278.1); c.1438G>T, p.Gly480Cys (NM_001331035.2, NM_001375280.1, NM_001375282.1); c.1459G>T, p.Gly487Cys (NM_001375279.1, NM_001375281.1); c.1402G>T, p.Gly468Cys (NM_001375283.1); c.850G>T, p.Gly284Cys (NM_001375284.1); short protein forms G487C, G480C, G495C, G284C, G468C.
Identifiers: ClinVar variation 3589741 (VCV003589741.2).